The following is an entry in ClinVar:

NM_025219.3(DNAJC5):c.*1442A>G

Gene: DNAJC5 (DnaJ heat shock protein family (Hsp40) member C5; plus strand). Cytogenetic location: 20q13.33.
Variant type: single nucleotide variant.
Coding change: c.*1442A>G on transcript NM_025219.3 (MANE Select); 1442 bases downstream of the stop codon, A replaced by G.
Molecular consequence: 3 prime UTR variant.
Genome position (GRCh38, 1-based): chr20:63,933,010, A>G. VCF-style: chr20-63933010-A-G. GRCh37 (hg19) VCF-style: chr20-62564363-A-G.
Identifiers: ClinVar variation 339393 (VCV000339393.9), dbSNP rs61744085, ClinGen allele CA10650226.

ClinVar aggregate classification (germline): Benign/Likely benign. Review status: criteria provided, multiple submitters, no conflicts (2 of 4 stars). 3 submissions from 3 submitters: Benign (2); Likely benign (1). Last evaluated 2021-05-12.

Conditions:
Ceroid lipofuscinosis, neuronal, 4 (Kufs type) (CLN4). Also called: Neuronal ceroid lipofuscinosis 4B; Ceroid lipofuscinosis, neuronal, 4, Parry type. Identifiers: Orphanet 228343, Orphanet 79262, MedGen C1834207, MONDO:0008083, OMIM 162350.

Allele frequency attached by ClinVar (database versions not stated): 1000 Genomes Project 0.05351; 1000 Genomes Project 30x 0.05559; TOPMed 0.07095; gnomAD 0.08163 and 0.08435; gnomAD exomes 0.14545.
gnomAD v4.1: 12,406 of 152,462 alleles (8.1%); highest among the groups gnomAD compares: African/African-American, 8.8%; 614 homozygotes.

Submissions (3):

GeneDx
Classification: Benign. Last evaluated: 2021-05-12. Review status: criteria provided, single submitter. Criteria: GeneDx Variant Classification Process June 2021. Collection method: clinical testing. Allele origin: germline. Affected: yes.

Illumina Laboratory Services, Illumina
Classification: Benign for Ceroid lipofuscinosis, neuronal, 4 (Kufs type). Last evaluated: 2018-01-12. Review status: criteria provided, single submitter. Criteria: ICSL Variant Classification Criteria 13 December 2019. Collection method: clinical testing. Allele origin: germline.
Comment: This variant was observed in the ICSL laboratory as part of a predisposition screen in an ostensibly healthy population. It had not been previously curated by ICSL or reported in the Human Gene Mutation Database (HGMD: prior to June 1st, 2018), and was therefore a candidate for classification through an automated scoring system. Utilizing variant allele frequency, disease prevalence and penetrance estimates, and inheritance mode, an automated score was calculated to assess if this variant is too frequent to cause the disease. Based on the score and internal cut-off values, a variant classified as benign is not then subjected to further curation. The score for this variant resulted in a classification of benign for this disease.

Breakthrough Genomics
Classification: Likely benign. Review status: criteria provided, single submitter. Criteria: ACMG Guidelines, 2015. Collection method: not provided. Allele origin: germline. Inheritance: Autosomal dominant inheritance. Affected: yes.